The following is an entry in ClinVar:

NM_031220.4(PITPNM3):c.*484T>C

Gene: PITPNM3 (PITPNM family member 3; minus strand). Cytogenetic location: 17p13.2.
Variant type: single nucleotide variant.
Coding change: c.*484T>C on transcript NM_031220.4 (MANE Select); 484 bases downstream of the stop codon, T replaced by C.
Molecular consequence: 3 prime UTR variant.
Genome position (GRCh38, 1-based): chr17:6,454,854, A>G on the plus strand (T>C on the coding strand, the complement: PITPNM3 is on the minus strand). VCF-style: chr17-6454854-A-G. GRCh37 (hg19) VCF-style: chr17-6358174-A-G.
Other names: c.*484T>C (NM_001165966.2).
Identifiers: ClinVar variation 324737 (VCV000324737.6), dbSNP rs12449488, ClinGen allele CA10650723.

ClinVar aggregate classification (germline): Benign. Review status: criteria provided, multiple submitters, no conflicts (2 of 4 stars). 2 submissions from 2 submitters: Benign (2). Last evaluated 2018-01-12.

Conditions:
Cone-rod dystrophy 5 (CORD5). Identifiers: Orphanet 1872, MedGen C1832976, MONDO:0010969, OMIM 600977.

Allele frequency attached by ClinVar (database versions not stated): gnomAD exomes 0.32621; TOPMed 0.36639; gnomAD 0.37101 and 0.37332; 1000 Genomes Project 30x 0.43535; 1000 Genomes Project 0.43670.
gnomAD v4.1: 60,072 of 162,382 alleles (37%); highest among the groups gnomAD compares: East Asian, 59%; 11,704 homozygotes.

Submissions (2):

Illumina Laboratory Services, Illumina
Classification: Benign for Cone-rod dystrophy 5. Last evaluated: 2018-01-12. Review status: criteria provided, single submitter. Criteria: ICSL Variant Classification Criteria 13 December 2019. Collection method: clinical testing. Allele origin: germline.
Comment: This variant was observed in the ICSL laboratory as part of a predisposition screen in an ostensibly healthy population. It had not been previously curated by ICSL or reported in the Human Gene Mutation Database (HGMD: prior to June 1st, 2018), and was therefore a candidate for classification through an automated scoring system. Utilizing variant allele frequency, disease prevalence and penetrance estimates, and inheritance mode, an automated score was calculated to assess if this variant is too frequent to cause the disease. Based on the score and internal cut-off values, a variant classified as benign is not then subjected to further curation. The score for this variant resulted in a classification of benign for this disease.

Breakthrough Genomics
Classification: Benign. Review status: criteria provided, single submitter. Criteria: ACMG Guidelines, 2015. Collection method: not provided. Allele origin: germline. Inheritance: Autosomal dominant inheritance. Affected: yes.